The following is an entry in ClinVar:

NM_174978.3(C14orf39):c.1386A>C (p.Glu462Asp)

Gene: C14orf39 (chromosome 14 open reading frame 39; minus strand). Cytogenetic location: 14q23.1.
Variant type: single nucleotide variant.
Coding change: c.1386A>C on transcript NM_174978.3 (MANE Select); coding-DNA position 1386, A replaced by C.
Protein change: p.Glu462Asp; replaces glutamic acid 462 with aspartic acid.
Molecular consequence: missense variant.
Genome position (GRCh38, 1-based): chr14:60,455,118, T>G on the plus strand (A>C on the coding strand, the complement: C14orf39 is on the minus strand). VCF-style: chr14-60455118-T-G. GRCh37 (hg19) VCF-style: chr14-60921836-T-G.
Other names: c.1386A>C (NM_174978.2); short protein forms E462D.
Identifiers: ClinVar variation 2644268 (VCV002644268.25), dbSNP rs139054454, ClinGen allele CA7212019.

ClinVar aggregate classification (germline): Likely benign. Review status: criteria provided, multiple submitters, no conflicts (2 of 4 stars). 2 submissions from 2 submitters: Likely benign (2). Last evaluated 2025-07-03.

Conditions:
C14orf39-related disorder. Also called: C14orf39-related condition.

Allele frequency attached by ClinVar (database versions not stated): 1000 Genomes Project 30x 0.00125; 1000 Genomes Project 0.00140; ExAC 0.00271; TOPMed 0.00289; gnomAD 0.00298; ESP Exome Variant Server 0.00354; gnomAD exomes 0.00505.
gnomAD v4.1: 7,464 of 1,564,472 alleles (0.48%); highest among the groups gnomAD compares: Non-Finnish European, 0.6%; 20 homozygotes.

Submissions (2):

PreventionGenetics, part of Exact Sciences
Classification: Likely benign for C14orf39-related condition. Last evaluated: 2025-07-03. Review status: criteria provided, single submitter. Criteria: ACMG Guidelines, 2015. Collection method: clinical testing. Allele origin: germline.
Comment: This variant is classified as likely benign based on ACMG/AMP sequence variant interpretation guidelines (Richards et al. 2015 PMID: 25741868, with internal and published modifications).

CeGaT Center for Human Genetics Tuebingen
Classification: Likely benign. Last evaluated: 2023-09-01. Review status: criteria provided, single submitter. Criteria: CeGaT Center For Human Genetics Tuebingen Variant Classification Criteria Version 2. Collection method: clinical testing. Allele origin: germline. Affected: yes. Observed: 2 variant alleles.
Comment: C14orf39: BP4, BS2